The following is an entry in ClinVar:

NM_000702.4(ATP1A2):c.1052G>A (p.Arg351Gln)

Gene: ATP1A2 (ATPase Na+/K+ transporting subunit alpha 2; plus strand). Cytogenetic location: 1q23.2.
Variant type: single nucleotide variant.
Coding change: c.1052G>A on transcript NM_000702.4 (MANE Select); coding-DNA position 1052, G replaced by A.
Protein change: p.Arg351Gln; replaces arginine 351 with glutamine.
Molecular consequence: missense variant.
Genome position (GRCh38, 1-based): chr1:160,128,686, G>A. VCF-style: chr1-160128686-G-A. GRCh37 (hg19) VCF-style: chr1-160098476-G-A.
Other names: short protein forms R351Q.
Identifiers: ClinVar variation 1000313 (VCV001000313.7), dbSNP rs754655141, ClinGen allele CA1194367.

ClinVar aggregate classification (germline): Uncertain significance (1 of 4 stars; one submission).

Conditions:
Familial hemiplegic migraine. Identifiers: MedGen C0338484, MONDO:0000700.

Allele frequency attached by ClinVar (database versions not stated): gnomAD exomes below 0.00001 and 0.00001; ExAC 0.00001; TOPMed 0.00001.
gnomAD v4.1: 14 of 1,614,152 alleles (0.00087%); highest among the groups gnomAD compares: Non-Finnish European, 0.0012%; no homozygotes.

Submission:

Labcorp Genetics (formerly Invitae), Labcorp
Classification: Uncertain significance for Familial hemiplegic migraine. Last evaluated: 2020-06-05. Review status: criteria provided, single submitter. Criteria: Invitae Variant Classification Sherloc (09022015). Collection method: clinical testing. Allele origin: germline.
Comment: In summary, the available evidence is currently insufficient to determine the role of this variant in disease. Therefore, it has been classified as a Variant of Uncertain Significance. Algorithms developed to predict the effect of missense changes on protein structure and function are either unavailable or do not agree on the potential impact of this missense change (SIFT: "Deleterious"; PolyPhen-2: "Benign"; Align-GVGD: "Class C35"). This variant has not been reported in the literature in individuals with ATP1A2-related conditions. This variant is present in population databases (rs754655141, ExAC 0.001%). This sequence change replaces arginine with glutamine at codon 351 of the ATP1A2 protein (p.Arg351Gln). The arginine residue is highly conserved and there is a small physicochemical difference between arginine and glutamine.